The following is an entry in ClinVar:

NM_033446.3(MVB12B):c.615G>A (p.Thr205=)

Gene: MVB12B (multivesicular body subunit 12B; plus strand). Cytogenetic location: 9q33.3.
Variant type: single nucleotide variant.
Coding change: c.615G>A on transcript NM_033446.3 (MANE Select); coding-DNA position 615, G replaced by A.
Protein change: p.Thr205=; no amino-acid change (threonine 205 retained).
Molecular consequence: synonymous variant.
Genome position (GRCh38, 1-based): chr9:126,395,650, G>A. VCF-style: chr9-126395650-G-A. GRCh37 (hg19) VCF-style: chr9-129157929-G-A.
Other names: c.615G>A, p.Thr205= (NM_001011703.3).
Identifiers: ClinVar variation 3036925 (VCV003036925.2), dbSNP rs756508587, ClinGen allele CA5242042.

ClinVar aggregate classification (germline): Likely benign (0 of 4 stars; one submission).

Conditions:
MVB12B-related disorder. Also called: MVB12B-related condition.

Allele frequency attached by ClinVar (database versions not stated): gnomAD exomes 0.00001; ExAC 0.00002; gnomAD 0.00002; TOPMed 0.00002.
gnomAD v4.1: 14 of 1,613,964 alleles (0.00087%); highest among the groups gnomAD compares: Admixed American, 0.0033%; no homozygotes.

Submission:

PreventionGenetics, part of Exact Sciences
Classification: Likely benign for MVB12B-related condition. Last evaluated: 2020-05-21. Review status: no assertion criteria provided. Collection method: clinical testing. Allele origin: germline.
Comment: This variant is classified as likely benign based on ACMG/AMP sequence variant interpretation guidelines (Richards et al. 2015 PMID: 25741868, with internal and published modifications).